The following is an entry in ClinVar:

NM_033026.6(PCLO):c.7202T>G (p.Ile2401Arg)

Gene: PCLO (piccolo presynaptic cytomatrix protein; minus strand). Cytogenetic location: 7q21.11.
Variant type: single nucleotide variant.
Coding change: c.7202T>G on transcript NM_033026.6 (MANE Select); coding-DNA position 7202, T replaced by G.
Protein change: p.Ile2401Arg; replaces isoleucine 2401 with arginine.
Molecular consequence: missense variant.
Genome position (GRCh38, 1-based): chr7:82,953,751, A>C on the plus strand (T>G on the coding strand, the complement: PCLO is on the minus strand). VCF-style: chr7-82953751-A-C. GRCh37 (hg19) VCF-style: chr7-82583067-A-C.
Other names: c.7202T>G, p.Ile2401Arg (NM_014510.3); short protein forms I2401R.
Identifiers: ClinVar variation 1447072 (VCV001447072.3), dbSNP rs1380462277, ClinGen allele CA367917472.

ClinVar aggregate classification (germline): Uncertain significance (1 of 4 stars; one submission).

Allele frequency attached by ClinVar (database versions not stated): gnomAD exomes 0.00001 and 0.00003; TOPMed 0.00003.
gnomAD v4.1: 38 of 1,545,890 alleles (0.0025%); highest among the groups gnomAD compares: Non-Finnish European, 0.0032%; no homozygotes.

Submission:

Labcorp Genetics (formerly Invitae), Labcorp
Classification: Uncertain significance. Last evaluated: 2022-02-28. Review status: criteria provided, single submitter. Criteria: Invitae Variant Classification Sherloc (09022015). Collection method: clinical testing. Allele origin: germline.
Comment: This sequence change replaces isoleucine, which is neutral and non-polar, with arginine, which is basic and polar, at codon 2401 of the PCLO protein (p.Ile2401Arg). This variant is present in population databases (no rsID available, gnomAD 0.002%). This variant has not been reported in the literature in individuals affected with PCLO-related conditions. Algorithms developed to predict the effect of missense changes on protein structure and function are either unavailable or do not agree on the potential impact of this missense change (SIFT: "Deleterious"; PolyPhen-2: "Not Available"; Align-GVGD: "Class C0"). Algorithms developed to predict the effect of sequence changes on RNA splicing suggest that this variant may create or strengthen a splice site. In summary, the available evidence is currently insufficient to determine the role of this variant in disease. Therefore, it has been classified as a Variant of Uncertain Significance.